The following is an entry in ClinVar:

ClinVar aggregate classification (germline): Uncertain significance (1 of 4 stars; one submission).

Allele frequency attached by ClinVar (database versions not stated): gnomAD 0.00004; gnomAD exomes 0.00004; TOPMed 0.00004; ExAC 0.00006; ESP Exome Variant Server 0.00015; 1000 Genomes Project 30x 0.00016; 1000 Genomes Project 0.00020.

Submission:

Labcorp Genetics (formerly Invitae), Labcorp
Classification: Uncertain significance. Last evaluated: 2025-02-04. Review status: criteria provided, single submitter. Criteria: Invitae Variant Classification Sherloc (09022015). Collection method: clinical testing. Allele origin: germline.
Comment: This sequence change replaces asparagine, which is neutral and polar, with serine, which is neutral and polar, at codon 235 of the APOA4 protein (p.Asn235Ser). This variant is present in population databases (rs148724513, gnomAD 0.01%). This variant has not been reported in the literature in individuals affected with APOA4-related conditions. ClinVar contains an entry for this variant (Variation ID: 2071930). Invitae Evidence Modeling of protein sequence and biophysical properties (such as structural, functional, and spatial information, amino acid conservation, physicochemical variation, residue mobility, and thermodynamic stability) indicates that this missense variant is not expected to disrupt APOA4 protein function with a negative predictive value of 80%. In summary, the available evidence is currently insufficient to determine the role of this variant in disease. Therefore, it has been classified as a Variant of Uncertain Significance.

NM_000482.4(APOA4):c.704A>G (p.Asn235Ser)

Gene: APOA4 (apolipoprotein A4; minus strand). Cytogenetic location: 11q23.3.
Variant type: single nucleotide variant.
Coding change: c.704A>G on transcript NM_000482.4 (MANE Select); coding-DNA position 704, A replaced by G.
Protein change: p.Asn235Ser; replaces asparagine 235 with serine.
Molecular consequence: missense variant.
Genome position (GRCh38, 1-based): chr11:116,821,354, T>C on the plus strand (A>G on the coding strand, the complement: APOA4 is on the minus strand). VCF-style: chr11-116821354-T-C. GRCh37 (hg19) VCF-style: chr11-116692070-T-C.
Other names: short protein forms N235S.
Identifiers: ClinVar variation 2071930 (VCV002071930.4), dbSNP rs148724513, ClinGen allele CA6289336.